The following is an entry in ClinVar:

ClinVar aggregate classification (germline): Uncertain significance (1 of 4 stars; one submission).

Conditions:
Spastic ataxia 2. Also called: Ataxia, spastic, 2, autosomal recessive. Identifiers: Orphanet 397946, MedGen C1969796, MONDO:0012651, OMIM 611302.

gnomAD v4.1: 2 of 1,551,430 alleles (0.00013%); highest among the groups gnomAD compares: Non-Finnish European, 0.00017%; no homozygotes.

Submission:

Labcorp Genetics (formerly Invitae), Labcorp
Classification: Uncertain significance for Spastic ataxia 2. Last evaluated: 2026-01-25. Review status: criteria provided, single submitter. Criteria: Invitae Variant Classification Sherloc (09022015). Collection method: clinical testing. Allele origin: germline.
Comment: This sequence change replaces proline, which is neutral and non-polar, with leucine, which is neutral and non-polar, at codon 1020 of the KIF1C protein (p.Pro1020Leu). This variant is not present in population databases (gnomAD no frequency). This variant has not been reported in the literature in individuals affected with KIF1C-related conditions. An algorithm developed to predict the effect of missense changes on protein structure and function outputs the following: PolyPhen-2: "Benign". The leucine amino acid residue is found in multiple mammalian species, which suggests that this missense change does not adversely affect protein function. In summary, the available evidence is currently insufficient to determine the role of this variant in disease. Therefore, it has been classified as a Variant of Uncertain Significance.

NM_006612.6(KIF1C):c.3059C>T (p.Pro1020Leu)

Gene: KIF1C (kinesin family member 1C; plus strand). Cytogenetic location: 17p13.2.
Variant type: single nucleotide variant.
Coding change: c.3059C>T on transcript NM_006612.6 (MANE Select); coding-DNA position 3059, C replaced by T.
Protein change: p.Pro1020Leu; replaces proline 1020 with leucine.
Molecular consequence: missense variant.
Genome position (GRCh38, 1-based): chr17:5,023,898, C>T. VCF-style: chr17-5023898-C-T. GRCh37 (hg19) VCF-style: chr17-4927193-C-T.
Other names: short protein forms P1020L.
Identifiers: ClinVar variation 4739312 (VCV004739312.1).